The following is an entry in ClinVar:

NM_001161352.2(KCNMA1):c.2710-8_2710-7inv

Genes: KCNMA1 (potassium calcium-activated channel subfamily M alpha 1; minus strand), KCNMA1-AS1 (KCNMA1 antisense RNA 1; plus strand). Cytogenetic location: 10q22.3.
Variant type: Inversion.
Coding change: c.2710-8_2710-7inv on transcript NM_001161352.2 (MANE Select).
Molecular consequence: intron variant.
Genome position: GRCh38 VCF-style: chr10-76944972-CA-TG. GRCh37 (hg19) VCF-style: chr10-78704730-CA-TG.
Other names: c.2548-8_2548-7inv (NM_001322835.2, NM_001322837.2, NM_001014797.3); c.2557-8_2557-7inv (NM_001322830.2); c.2083-8_2083-7inv (NM_001322838.2); c.2536-8_2536-7inv (NM_002247.4, NM_001322832.2); c.2659-8_2659-7inv (NM_001161353.2); c.2545-8_2545-7inv (NM_001322836.2, NM_001271519.2, NM_001322829.2); c.2386-8_2386-7inv (NM_001271518.2).
Identifiers: ClinVar variation 2197812 (VCV002197812.4), ClinGen allele CA2580081979.

ClinVar aggregate classification (germline): Uncertain significance (1 of 4 stars; one submission).

Conditions:
Generalized epilepsy-paroxysmal dyskinesia syndrome (PNKD3). Also called: Generalized epilepsy and paroxysmal dyskinesia; Paroxysmal nonkinesigenic dyskinesia, 3, with or without generalized epilepsy. Identifiers: Orphanet 79137, MedGen C5574945, MONDO:0012276, OMIM 609446.

Submission:

Labcorp Genetics (formerly Invitae), Labcorp
Classification: Uncertain significance for Generalized epilepsy-paroxysmal dyskinesia syndrome. Last evaluated: 2025-10-02. Review status: criteria provided, single submitter. Criteria: Invitae Variant Classification Sherloc (09022015). Collection method: clinical testing. Allele origin: germline.
Comment: This sequence change falls in intron 21 of the KCNMA1 gene. It does not directly change the encoded amino acid sequence of the KCNMA1 protein. Information on the frequency of this variant in the gnomAD database is not available, as this variant may be reported differently in the database. This variant has not been reported in the literature in individuals affected with KCNMA1-related conditions. ClinVar contains an entry for this variant (Variation ID: 2197812). Experimental studies and prediction algorithms are not available or were not evaluated, and the effect of this variant on mRNA splicing is currently unknown. In summary, the available evidence is currently insufficient to determine the role of this variant in disease. Therefore, it has been classified as a Variant of Uncertain Significance.